The following is an entry in ClinVar:

NM_139058.3(ARX):c.1202C>T (p.Pro401Leu)

Gene: ARX (aristaless related homeobox; minus strand). Cytogenetic location: Xp21.3.
Variant type: single nucleotide variant.
Coding change: c.1202C>T on transcript NM_139058.3 (MANE Select); coding-DNA position 1202, C replaced by T.
Protein change: p.Pro401Leu; replaces proline 401 with leucine.
Molecular consequence: missense variant.
Genome position (GRCh38, 1-based): chrX:25,007,357, G>A on the plus strand (C>T on the coding strand, the complement: ARX is on the minus strand). VCF-style: chrX-25007357-G-A. GRCh37 (hg19) VCF-style: chrX-25025474-G-A.
Other names: short protein forms P401L.
Identifiers: ClinVar variation 2939947 (VCV002939947.3), dbSNP rs1293443151, ClinGen allele CA412611511.

ClinVar aggregate classification (germline): Uncertain significance (1 of 4 stars; one submission).

Conditions:
Developmental and epileptic encephalopathy, 1 (DEE1). Also called: INFANTILE SPASM SYNDROME, X-LINKED 1; X-linked infantile spasms; West's syndrome; Tonic spasms with clustering, arrest of psychomotor development and hypsarrhythmia on EEG; X-Linked Infantile Spasm Syndrome; OHTAHARA SYNDROME, X-LINKED. Identifiers: MedGen C3463992, MONDO:0010632, OMIM 308350. Disease mechanism: loss of function.
Intellectual disability, X-linked, with or without seizures, ARX-related. Also called: MENTAL RETARDATION, X-LINKED 29; MENTAL RETARDATION, X-LINKED 32; MENTAL RETARDATION, X-LINKED 33; MENTAL RETARDATION, X-LINKED 38; MENTAL RETARDATION, X-LINKED 43; MENTAL RETARDATION, X-LINKED 76. Identifiers: Orphanet 777, MedGen C0796244, MONDO:0010317, OMIM 300419.

Allele frequency attached by ClinVar (database versions not stated): gnomAD exomes below 0.00001.
gnomAD v4.1: 2 of 1,147,664 alleles (0.00017%); highest among the groups gnomAD compares: Non-Finnish European, 0.00023%; no homozygotes.

Submission:

Labcorp Genetics (formerly Invitae), Labcorp
Classification: Uncertain significance for Developmental and epileptic encephalopathy, 1; Intellectual disability, X-linked, with or without seizures, ARX-related. Last evaluated: 2023-01-28. Review status: criteria provided, single submitter. Criteria: Invitae Variant Classification Sherloc (09022015). Collection method: clinical testing. Allele origin: germline.
Comment: This sequence change replaces proline, which is neutral and non-polar, with leucine, which is neutral and non-polar, at codon 401 of the ARX protein (p.Pro401Leu). The frequency data for this variant in the population databases is considered unreliable, as metrics indicate poor data quality at this position in the gnomAD database. This variant has not been reported in the literature in individuals affected with ARX-related conditions. Advanced modeling of protein sequence and biophysical properties (such as structural, functional, and spatial information, amino acid conservation, physicochemical variation, residue mobility, and thermodynamic stability) performed at Invitae indicates that this missense variant is not expected to disrupt ARX protein function. In summary, the available evidence is currently insufficient to determine the role of this variant in disease. Therefore, it has been classified as a Variant of Uncertain Significance.